The following is an entry in ClinVar:

NM_014727.3(KMT2B):c.17_23dup (p.Ser9fs)

Gene: KMT2B (lysine methyltransferase 2B; plus strand). Cytogenetic location: 19q13.12.
Variant type: Microsatellite.
Coding change: c.17_23dup on transcript NM_014727.3 (MANE Select); coding-DNA positions 17 to 23, 7 bases duplicated (GCGGCGG; older notation c.17_23dupGCGGCGG).
Protein change: p.Ser9fs; shifts the reading frame from serine 9.
Molecular consequence: frameshift variant.
Genome position (GRCh38, 1-based): chr19:35,718,035-35,718,041, GCGGCGG duplicated; duplicating any 7 consecutive bases within chr19:35,718,027-35,718,041 gives the same sequence; the c. name uses the placement nearest the transcript's 3' end. VCF-style (leftmost placement, unchanged base first): chr19-35718026-C-CGGCGGCG. GRCh37 (hg19) VCF-style: chr19-36208928-C-CGGCGGCG.
Other names: c.17_23dup (NM_014727.2); short protein forms S9fs.
Identifiers: ClinVar variation 1995855 (VCV001995855.7), dbSNP rs2513305937, ClinGen allele CA2580613107.
Genomic context (GRCh38, chr19:35,718,026, plus strand): 5'-TGCGCACGGGCCGCCCCTCCCCCCGCCTCCCCGGCCCCTCTCACGGTGCCAAGATGGCGG[C>CGGCGGCG]GGCGGCGGGCGGCGGCAGTTGCCCCGGGCCTGGCTCCGCGCGGGGCCGCTTCCCGGGCCG-3'

ClinVar aggregate classification (germline): Pathogenic. Review status: criteria provided, multiple submitters, no conflicts (2 of 4 stars). 3 submissions from 3 submitters: Pathogenic (3). Last evaluated 2026-01-07.

Conditions:
Intellectual developmental disorder, autosomal dominant 68 (MRD68). Also called: MENTAL RETARDATION, AUTOSOMAL DOMINANT 68. Identifiers: MedGen C5677008, MONDO:0030969, OMIM 619934.

Submissions (3):

Dasa
Classification: Pathogenic for Intellectual developmental disorder, autosomal dominant 68. Last evaluated: 2026-01-07. Review status: criteria provided, single submitter. Criteria: DASA Assertion Criteria. Collection method: clinical testing. Allele origin: germline.
Comment: NM_014727.3(KMT2B):c.17_23dup (p.Ser9Argfs*109) is a frameshift variant in KMT2B predicted to alter the reading frame and introduce a premature termination codon and is predicted to result in an absent or altered protein product. Loss of function is an established disease mechanism for KMT2B (PMID: 33098801; PMID: 33150406; PMID: 36288966). This variant has been reported as a de novo occurrence in an affected individual (PMID: 34590685). Published studies describe this variant in association with related phenotype (PMID: 34590685). Also, this variant is rare in population databases. Based on the currently available evidence, this variant is classified as pathogenic.

GeneDx
Classification: Pathogenic. Last evaluated: 2023-05-22. Review status: criteria provided, single submitter. Criteria: GeneDx Variant Classification Process June 2021. Collection method: clinical testing. Allele origin: germline. Affected: yes.
Comment: Frameshift variant predicted to result in protein truncation or nonsense mediated decay in a gene for which loss-of-function is a known mechanism of disease; Not observed at significant frequency in large population cohorts (gnomAD); This variant is associated with the following publications: (PMID: 33949708, 35872528)

Labcorp Genetics (formerly Invitae), Labcorp
Classification: Pathogenic. Last evaluated: 2022-09-24. Review status: criteria provided, single submitter. Criteria: Invitae Variant Classification Sherloc (09022015). Collection method: clinical testing. Allele origin: germline.
Comment: For these reasons, this variant has been classified as Pathogenic. This variant has not been reported in the literature in individuals affected with KMT2B-related conditions. The frequency data for this variant in the population databases is considered unreliable, as metrics indicate insufficient coverage at this position in the gnomAD database. This sequence change creates a premature translational stop signal (p.Ser9Argfs*109) in the KMT2B gene. It is expected to result in an absent or disrupted protein product. Loss-of-function variants in KMT2B are known to be pathogenic (PMID: 27839873, 27992417).

Literature cited by the submitters: PubMed 34590685 (cited by Dasa); PubMed 33098801 (cited by Dasa); PubMed 33150406 (cited by Dasa); PubMed 36288966 (cited by Dasa); PubMed 27839873 (cited by Labcorp Genetics (formerly Invitae), Labcorp); PubMed 27992417 (cited by Labcorp Genetics (formerly Invitae), Labcorp).